The following is an entry in ClinVar:

NM_000302.4(PLOD1):c.1998C>G (p.Ile666Met)

Gene: PLOD1 (procollagen-lysine,2-oxoglutarate 5-dioxygenase 1; plus strand). Cytogenetic location: 1p36.22.
Variant type: single nucleotide variant.
Coding change: c.1998C>G on transcript NM_000302.4 (MANE Select); coding-DNA position 1998, C replaced by G.
Protein change: p.Ile666Met; replaces isoleucine 666 with methionine.
Molecular consequence: missense variant.
Genome position (GRCh38, 1-based): chr1:11,972,967, C>G. VCF-style: chr1-11972967-C-G. GRCh37 (hg19) VCF-style: chr1-12033024-C-G.
Other names: c.2139C>G, p.Ile713Met (NM_001316320.2); short protein forms I713M, I666M.
Identifiers: ClinVar variation 1784091 (VCV001784091.2), dbSNP rs748080300, ClinGen allele CA338452459.

ClinVar aggregate classification (germline): Uncertain significance (1 of 4 stars; one submission).

Conditions:
Familial thoracic aortic aneurysm and aortic dissection (TAAD). Also called: Thoracic aortic aneurysms and dissections. Identifiers: Orphanet 91387, MedGen C4707243, MONDO:0019625.

gnomAD v4.1: 1 of 1,614,086 alleles (0.000062%); highest among the groups gnomAD compares: Non-Finnish European, 0.000085%; no homozygotes.

Submission:

Ambry Genetics
Classification: Uncertain significance for Familial thoracic aortic aneurysm and aortic dissection. Last evaluated: 2019-05-30. Review status: criteria provided, single submitter. Criteria: Ambry Variant Classification Scheme 2023. Collection method: clinical testing. Allele origin: germline.
Comment: The p.I666M variant (also known as c.1998C>G), located in coding exon 18 of the PLOD1 gene, results from a C to G substitution at nucleotide position 1998. The isoleucine at codon 666 is replaced by methionine, an amino acid with highly similar properties. This amino acid position is well conserved in available vertebrate species. In addition, the in silico prediction for this alteration is inconclusive. Since supporting evidence is limited at this time, the clinical significance of this alteration remains unclear.